The following is an entry in ClinVar:

NM_000179.3(MSH6):c.323G>A (p.Cys108Tyr)

Gene: MSH6 (mutS homolog 6; plus strand). Cytogenetic location: 2p16.3.
Variant type: single nucleotide variant.
Coding change: c.323G>A on transcript NM_000179.3 (MANE Select); coding-DNA position 323, G replaced by A.
Protein change: p.Cys108Tyr; replaces cysteine 108 with tyrosine.
Molecular consequence: missense variant. On other transcripts: 5 prime UTR variant (2), intron variant (1).
Genome position (GRCh38, 1-based): chr2:47,790,989, G>A. VCF-style: chr2-47790989-G-A. GRCh37 (hg19) VCF-style: chr2-48018128-G-A.
Other names: c.-414G>A (NM_001281493.2); c.-580G>A (NM_001281494.2); c.237+7519G>A (NM_001281492.2); short protein forms C108Y.
Identifiers: ClinVar variation 639577 (VCV000639577.15), dbSNP rs1572708660, ClinGen allele CA346736932.

ClinVar aggregate classification (germline): Uncertain significance. Review status: criteria provided, multiple submitters, no conflicts (2 of 4 stars). 3 submissions from 3 submitters: Uncertain significance (3). Last evaluated 2025-04-20.

Conditions:
Hereditary cancer-predisposing syndrome. Also called: Neoplastic Syndromes, Hereditary; Tumor predisposition; Hereditary Cancer Syndrome; Hereditary neoplastic syndrome. Identifiers: Orphanet 140162, MedGen C0027672, MeSH D009386, MONDO:0015356.
Hereditary nonpolyposis colorectal neoplasms. Identifiers: MedGen C0009405, MeSH D003123.

Submissions (3):

GeneDx
Classification: Uncertain significance. Last evaluated: 2025-04-20. Review status: criteria provided, single submitter. Criteria: GeneDx Variant Classification Process June 2021. Collection method: clinical testing. Allele origin: germline. Affected: yes.
Comment: Not observed at significant frequency in large population cohorts (gnomAD); In silico analysis supports that this missense variant has a deleterious effect on protein structure/function; Has not been previously published as pathogenic or benign to our knowledge

Ambry Genetics
Classification: Uncertain significance for Hereditary cancer-predisposing syndrome. Last evaluated: 2024-08-26. Review status: criteria provided, single submitter. Criteria: Ambry Variant Classification Scheme 2023. Collection method: clinical testing. Allele origin: germline.
Comment: The p.C108Y variant (also known as c.323G>A), located in coding exon 2 of the MSH6 gene, results from a G to A substitution at nucleotide position 323. The cysteine at codon 108 is replaced by tyrosine, an amino acid with highly dissimilar properties. This amino acid position is well conserved in available vertebrate species. In addition, this alteration is predicted to be deleterious by in silico analysis. Based on the available evidence, the clinical significance of this variant remains unclear.

Labcorp Genetics (formerly Invitae), Labcorp
Classification: Uncertain significance for Hereditary nonpolyposis colorectal neoplasms. Last evaluated: 2023-07-18. Review status: criteria provided, single submitter. Criteria: Invitae Variant Classification Sherloc (09022015). Collection method: clinical testing. Allele origin: germline.
Comment: In summary, the available evidence is currently insufficient to determine the role of this variant in disease. Therefore, it has been classified as a Variant of Uncertain Significance. Advanced modeling of protein sequence and biophysical properties (such as structural, functional, and spatial information, amino acid conservation, physicochemical variation, residue mobility, and thermodynamic stability) performed at Invitae indicates that this missense variant is not expected to disrupt MSH6 protein function. ClinVar contains an entry for this variant (Variation ID: 639577). This variant has not been reported in the literature in individuals affected with MSH6-related conditions. This variant is not present in population databases (gnomAD no frequency). This sequence change replaces cysteine, which is neutral and slightly polar, with tyrosine, which is neutral and polar, at codon 108 of the MSH6 protein (p.Cys108Tyr).